The following is an entry in ClinVar:

ClinVar aggregate classification (germline): Uncertain significance (1 of 4 stars; one submission).

Allele frequency attached by ClinVar (database versions not stated): TOPMed 0.00001; gnomAD 0.00001; gnomAD exomes 0.00002; ExAC 0.00003.
gnomAD v4.1: 30 of 1,595,820 alleles (0.0019%); highest among the groups gnomAD compares: Admixed American, 0.0033%; no homozygotes.

Submission:

Labcorp Genetics (formerly Invitae), Labcorp
Classification: Uncertain significance. Last evaluated: 2025-09-02. Review status: criteria provided, single submitter. Criteria: Invitae Variant Classification Sherloc (09022015). Collection method: clinical testing. Allele origin: germline.
Comment: This sequence change replaces aspartic acid, which is acidic and polar, with asparagine, which is neutral and polar, at codon 151 of the BPTF protein (p.Asp151Asn). This variant is present in population databases (rs748401171, gnomAD 0.004%). This variant has not been reported in the literature in individuals affected with BPTF-related conditions. ClinVar contains an entry for this variant (Variation ID: 1971447). Experimental studies and prediction algorithms are not available or were not evaluated, and the functional significance of this variant is currently unknown. In summary, the available evidence is currently insufficient to determine the role of this variant in disease. Therefore, it has been classified as a Variant of Uncertain Significance.

NM_182641.4(BPTF):c.451G>A (p.Asp151Asn)

Genes: BPTF (bromodomain PHD finger transcription factor; plus strand), LOC130061496 (ATAC-STARR-seq lymphoblastoid active region 12632; plus strand). Cytogenetic location: 17q24.2.
Variant type: single nucleotide variant.
Coding change: c.451G>A on transcript NM_182641.4 (MANE Select); coding-DNA position 451, G replaced by A.
Protein change: p.Asp151Asn; replaces aspartic acid 151 with asparagine.
Molecular consequence: missense variant.
Genome position (GRCh38, 1-based): chr17:67,826,175, G>A. VCF-style: chr17-67826175-G-A. GRCh37 (hg19) VCF-style: chr17-65822291-G-A.
Other names: c.451G>A, p.Asp151Asn (NM_004459.7); short protein forms D151N.
Identifiers: ClinVar variation 1971447 (VCV001971447.4), dbSNP rs748401171, ClinGen allele CA8724983.